The following is an entry in ClinVar:

NM_017612.5(ZCCHC8):c.50A>G (p.Asp17Gly)

Gene: ZCCHC8 (zinc finger CCHC-type containing 8; minus strand). Cytogenetic location: 12q24.31.
Variant type: single nucleotide variant.
Coding change: c.50A>G on transcript NM_017612.5 (MANE Select); coding-DNA position 50, A replaced by G.
Protein change: p.Asp17Gly; replaces aspartic acid 17 with glycine.
Molecular consequence: missense variant. On other transcripts: 5 prime UTR variant (3).
Genome position (GRCh38, 1-based): chr12:122,500,791, T>C on the plus strand (A>G on the coding strand, the complement: ZCCHC8 is on the minus strand). VCF-style: chr12-122500791-T-C. GRCh37 (hg19) VCF-style: chr12-122985338-T-C.
Other names: c.50A>G, p.Asp17Gly (NM_001350935.2); c.-874A>G (NM_001350936.2); c.-495A>G (NM_001350937.2); c.-389A>G (NM_001350938.2); short protein forms D17G.
Identifiers: ClinVar variation 2831691 (VCV002831691.3), dbSNP rs1566311457, ClinGen allele CA482210950.

ClinVar aggregate classification (germline): Uncertain significance (1 of 4 stars; one submission).

Submission:

Labcorp Genetics (formerly Invitae), Labcorp
Classification: Uncertain significance. Last evaluated: 2023-01-24. Review status: criteria provided, single submitter. Criteria: Invitae Variant Classification Sherloc (09022015). Collection method: clinical testing. Allele origin: germline.
Comment: This variant has not been reported in the literature in individuals affected with ZCCHC8-related conditions. This variant is not present in population databases (gnomAD no frequency). This sequence change replaces aspartic acid, which is acidic and polar, with glycine, which is neutral and non-polar, at codon 17 of the ZCCHC8 protein (p.Asp17Gly). Algorithms developed to predict the effect of missense changes on protein structure and function output the following: SIFT: "Deleterious"; PolyPhen-2: "Not Available"; Align-GVGD: "Class C0". The glycine amino acid residue is found in multiple mammalian species, which suggests that this missense change does not adversely affect protein function. In summary, the available evidence is currently insufficient to determine the role of this variant in disease. Therefore, it has been classified as a Variant of Uncertain Significance.